The following is an entry in ClinVar:

NM_000552.5(VWF):c.1239dup (p.Leu414fs)

Gene: VWF (von Willebrand factor; minus strand). Cytogenetic location: 12p13.31.
Variant type: Duplication.
Coding change: c.1239dup on transcript NM_000552.5 (MANE Select); coding-DNA position 1239, one base duplicated (G; older notation c.1239dupG).
Protein change: p.Leu414fs; shifts the reading frame from leucine 414.
Molecular consequence: frameshift variant.
Genome position (GRCh38, 1-based): chr12:6,065,191, C duplicated on the plus strand (G on the coding strand, the reverse complement: VWF is on the minus strand). VCF-style (leftmost placement, unchanged base first): chr12-6065190-G-GC. GRCh37 (hg19) VCF-style: chr12-6174356-G-GC.
Other names: short protein forms L414fs.
Identifiers: ClinVar variation 1065243 (VCV001065243.4), dbSNP rs770203987, ClinGen allele CA6403495.

ClinVar aggregate classification (germline): Pathogenic. Review status: criteria provided, single submitter (1 of 4 stars). 2 submissions from 2 submitters: Pathogenic (1). 1 of the submissions does not count toward it. Last evaluated 2023-04-28.

Conditions:
von Willebrand disease type 3 (VWD3). Also called: Type 3 Von Willebrand's disease; Type 3 VWD; Von Willebrand disease, severe form; V WD3; VON WILLEBRAND DISEASE, TYPE III. Identifiers: Orphanet 166096, MedGen C1264041, MONDO:0010191, OMIM 277480.

Allele frequency attached by ClinVar (database versions not stated): gnomAD exomes below 0.00001; gnomAD 0.00001; ExAC 0.00002; TOPMed 0.00002; ESP Exome Variant Server 0.00008.

Submissions (2):

ARUP Laboratories, Molecular Genetics and Genomics, ARUP Laboratories
Classification: Pathogenic. Last evaluated: 2023-04-28. Review status: criteria provided, single submitter. Criteria: ARUP Molecular Germline Variant Investigation Process 2024. Collection method: clinical testing. Allele origin: germline.
Comment: The VWF c.1239dup; p.Leu414AlafsTer15 variant (rs770203987) is reported in the heterozygous state in individuals with VWD type 1 and in the compound heterozygous state in individuals with VWD type 3 (Veyradier 2016). This variant is also reported in ClinVar (Variation ID: 1065243) and is only observed on two alleles in the Genome Aggregation Database, indicating it is not a common polymorphism. This variant causes a frameshift by inserting a single nucleotide, so it is predicted to result in a truncated protein or mRNA subject to nonsense-mediated decay. Based on available information, this variant is considered to be pathogenic. References: Veyradier A et al. A Laboratory Phenotype/Genotype Correlation of 1167 French Patients From 670 Families With von Willebrand Disease: A New Epidemiologic Picture. Medicine (Baltimore). 2016 Mar;95(11):e3038. PMID: 26986123.

Angelo Bianchi Bonomi Hemophilia and Thrombosis Center, Fondazione IRCCS Ca Granda Ospedale Maggiore Policlinico
Classification: Pathogenic for von Willebrand disease type 3. Last evaluated: 2021-04-12. Review status: no assertion criteria provided. Collection method: clinical testing. Allele origin: germline. Affected: yes. Study: Type 3 Von Willebrand International Registries Inhibitor Prospective Study (3WINTERS-IPS). Not counted in ClinVar's aggregate classification.